The following is an entry in ClinVar:

ClinVar aggregate classification (germline): Uncertain significance. Review status: criteria provided, multiple submitters, no conflicts (2 of 4 stars). 3 submissions from 3 submitters: Uncertain significance (3). Last evaluated 2025-12-30.

Conditions:
Inborn genetic diseases. Identifiers: MedGen C0950123, MeSH D030342.
Developmental and epileptic encephalopathy, 12 (DEE12). Identifiers: MedGen C3150988, MONDO:0013389, OMIM 613722.

Allele frequency attached by ClinVar (database versions not stated): ExAC 0.00005; gnomAD exomes 0.00005; TOPMed 0.00006; gnomAD 0.00007.
gnomAD v4.1: 83 of 1,612,758 alleles (0.0051%); highest among the groups gnomAD compares: African/African-American, 0.032%; no homozygotes.

Submissions (3):

Women's Health and Genetics/Laboratory Corporation of America, LabCorp
Classification: Uncertain significance. Last evaluated: 2025-12-30. Review status: criteria provided, single submitter. Criteria: LabCorp Variant Classification Summary - May 2015. Collection method: clinical testing. Allele origin: germline.
Comment: Variant summary: PLCB1 c.232G>A (p.Ala78Thr) results in a non-conservative amino acid change in the encoded protein sequence. Algorithms developed to predict the effect of missense changes on protein structure and function are either unavailable or do not agree on the potential impact of this missense change. The variant allele was found at a frequency of 4.8e-05 in 250888 control chromosomes. This frequency is not significantly higher than estimated for disease-causing variants in PLCB1, allowing no conclusion about variant significance. To our knowledge, no occurrence of c.232G>A in individuals affected with PLCB1-related conditions and no experimental evidence demonstrating its impact on protein function have been reported. ClinVar contains an entry for this variant (Variation ID: 840530). Based on the evidence outlined above, the variant was classified as uncertain significance.

Ambry Genetics
Classification: Uncertain significance for Inborn genetic diseases. Last evaluated: 2024-03-31. Review status: criteria provided, single submitter. Criteria: Ambry Variant Classification Scheme 2023. Collection method: clinical testing. Allele origin: germline.

Labcorp Genetics (formerly Invitae), Labcorp
Classification: Uncertain significance for Developmental and epileptic encephalopathy, 12. Last evaluated: 2022-04-19. Review status: criteria provided, single submitter. Criteria: Invitae Variant Classification Sherloc (09022015). Collection method: clinical testing. Allele origin: germline.
Comment: This sequence change replaces alanine, which is neutral and non-polar, with threonine, which is neutral and polar, at codon 78 of the PLCB1 protein (p.Ala78Thr). This variant is present in population databases (rs761393253, gnomAD 0.04%). This variant has not been reported in the literature in individuals affected with PLCB1-related conditions. ClinVar contains an entry for this variant (Variation ID: 840530). Algorithms developed to predict the effect of missense changes on protein structure and function (SIFT, PolyPhen-2, Align-GVGD) all suggest that this variant is likely to be tolerated. In summary, the available evidence is currently insufficient to determine the role of this variant in disease. Therefore, it has been classified as a Variant of Uncertain Significance.

NM_015192.4(PLCB1):c.232G>A (p.Ala78Thr)

Gene: PLCB1 (phospholipase C beta 1; plus strand). Cytogenetic location: 20p12.3.
Variant type: single nucleotide variant.
Coding change: c.232G>A on transcript NM_015192.4 (MANE Select); coding-DNA position 232, G replaced by A.
Protein change: p.Ala78Thr; replaces alanine 78 with threonine.
Molecular consequence: missense variant.
Genome position (GRCh38, 1-based): chr20:8,371,436, G>A. VCF-style: chr20-8371436-G-A. GRCh37 (hg19) VCF-style: chr20-8352083-G-A.
Other names: c.232G>A, p.Ala78Thr (NM_182734.3); c.232G>A (NM_015192.2); short protein forms A78T.
Identifiers: ClinVar variation 840530 (VCV000840530.9), dbSNP rs761393253, ClinGen allele CA9759606.